The following is an entry in ClinVar:

ClinVar aggregate classification (germline): Benign/Likely benign. Review status: criteria provided, multiple submitters, no conflicts (2 of 4 stars). 3 submissions from 3 submitters: Benign (1); Likely benign (1). 1 of the submissions does not count toward it. Last evaluated 2025-11-09.

Conditions:
KCNMA1-related disorder. Also called: KCNMA1-related disorders; KCNMA1-related condition.
Generalized epilepsy-paroxysmal dyskinesia syndrome (PNKD3). Also called: Generalized epilepsy and paroxysmal dyskinesia; Paroxysmal nonkinesigenic dyskinesia, 3, with or without generalized epilepsy. Identifiers: Orphanet 79137, MedGen C5574945, MONDO:0012276, OMIM 609446.

Allele frequency attached by ClinVar (database versions not stated): gnomAD exomes 0.00005 and 0.00021; ExAC 0.00026; 1000 Genomes Project 0.00040; 1000 Genomes Project 30x 0.00047; gnomAD 0.00082 and 0.00091; ESP Exome Variant Server 0.00085; TOPMed 0.00085.
gnomAD v4.1: 211 of 1,613,610 alleles (0.013%); highest among the groups gnomAD compares: African/African-American, 0.24%; no homozygotes.

Submissions (3):

Labcorp Genetics (formerly Invitae), Labcorp
Classification: Benign for Generalized epilepsy-paroxysmal dyskinesia syndrome. Last evaluated: 2025-11-09. Review status: criteria provided, single submitter. Criteria: Invitae Variant Classification Sherloc (09022015). Collection method: clinical testing. Allele origin: germline.

GeneDx
Classification: Likely benign. Last evaluated: 2021-02-05. Review status: criteria provided, single submitter. Criteria: GeneDx Variant Classification Process June 2021. Collection method: clinical testing. Allele origin: germline. Affected: yes.

PreventionGenetics, part of Exact Sciences
Classification: Likely benign for KCNMA1-related condition. Last evaluated: 2022-11-14. Review status: no assertion criteria provided. Collection method: clinical testing. Allele origin: germline. Not counted in ClinVar's aggregate classification.
Comment: This variant is classified as likely benign based on ACMG/AMP sequence variant interpretation guidelines (Richards et al. 2015 PMID: 25741868, with internal and published modifications).

NM_001161352.2(KCNMA1):c.2937A>G (p.Pro979=)

Genes: KCNMA1 (potassium calcium-activated channel subfamily M alpha 1; minus strand), KCNMA1-AS1 (KCNMA1 antisense RNA 1; plus strand). Cytogenetic location: 10q22.3.
Variant type: single nucleotide variant.
Coding change: c.2937A>G on transcript NM_001161352.2 (MANE Select); coding-DNA position 2937, A replaced by G.
Protein change: p.Pro979=; no amino-acid change (proline 979 retained).
Molecular consequence: synonymous variant.
Genome position (GRCh38, 1-based): chr10:76,915,015, T>C on the plus strand (A>G on the coding strand, the complement: KCNMA1 is on the minus strand). VCF-style: chr10-76915015-T-C. GRCh37 (hg19) VCF-style: chr10-78674773-T-C.
Other names: c.2775A>G, p.Pro925= (NM_001014797.3, NM_001322835.2, NM_001322837.2); c.2886A>G, p.Pro962= (NM_001161353.2); c.2613A>G, p.Pro871= (NM_001271518.2); c.2772A>G, p.Pro924= (NM_001271519.2, NM_001322829.2, NM_001322836.2); c.2784A>G, p.Pro928= (NM_001322830.2); c.2763A>G, p.Pro921= (NM_001322832.2, NM_002247.4); c.2310A>G, p.Pro770= (NM_001322838.2).
Identifiers: ClinVar variation 532947 (VCV000532947.17), dbSNP rs138823071, ClinGen allele CA5567955.